The following is an entry in ClinVar:

ClinVar aggregate classification (germline): Uncertain significance (1 of 4 stars; one submission).

Conditions:
Norman-Roberts syndrome (LIS2). Also called: Lissencephaly 2 (Norman-Roberts type). Identifiers: Orphanet 89844, MedGen C0796089, MONDO:0009760, OMIM 257320.
Familial temporal lobe epilepsy 7. Identifiers: Orphanet 101046, MedGen C4225327, MONDO:0014639, OMIM 616436.

Allele frequency attached by ClinVar (database versions not stated): gnomAD 0.00001.
gnomAD v4.1: 2 of 1,537,492 alleles (0.00013%); highest among the groups gnomAD compares: Admixed American, 0.0036%; no homozygotes.

Submission:

Labcorp Genetics (formerly Invitae), Labcorp
Classification: Uncertain significance for Familial temporal lobe epilepsy 7; Norman-Roberts syndrome. Last evaluated: 2023-04-09. Review status: criteria provided, single submitter. Criteria: Invitae Variant Classification Sherloc (09022015). Collection method: clinical testing. Allele origin: germline.
Comment: This variant has not been reported in the literature in individuals affected with RELN-related conditions. This sequence change replaces valine, which is neutral and non-polar, with leucine, which is neutral and non-polar, at codon 1763 of the RELN protein (p.Val1763Leu). This variant is not present in population databases (gnomAD no frequency). ClinVar contains an entry for this variant (Variation ID: 1720530). Advanced modeling of protein sequence and biophysical properties (such as structural, functional, and spatial information, amino acid conservation, physicochemical variation, residue mobility, and thermodynamic stability) performed at Invitae indicates that this missense variant is not expected to disrupt RELN protein function. In summary, the available evidence is currently insufficient to determine the role of this variant in disease. Therefore, it has been classified as a Variant of Uncertain Significance.

NM_005045.4(RELN):c.5287G>T (p.Val1763Leu)

Gene: RELN (reelin; minus strand). Cytogenetic location: 7q22.1.
Variant type: single nucleotide variant.
Coding change: c.5287G>T on transcript NM_005045.4 (MANE Select); coding-DNA position 5287, G replaced by T.
Protein change: p.Val1763Leu; replaces valine 1763 with leucine.
Molecular consequence: missense variant.
Genome position (GRCh38, 1-based): chr7:103,561,877, C>A on the plus strand (G>T on the coding strand, the complement: RELN is on the minus strand). VCF-style: chr7-103561877-C-A. GRCh37 (hg19) VCF-style: chr7-103202324-C-A.
Other names: c.5287G>T, p.Val1763Leu (NM_173054.3); short protein forms V1763L.
Identifiers: ClinVar variation 1720530 (VCV001720530.5), dbSNP rs1830649930, ClinGen allele CA368744467.